The following is an entry in ClinVar:

NM_020549.5(CHAT):c.1896_1918del (p.Ala633fs)

Gene: CHAT (choline O-acetyltransferase; plus strand). Cytogenetic location: 10q11.23.
Variant type: Deletion.
Coding change: c.1896_1918del on transcript NM_020549.5 (MANE Select); coding-DNA positions 1896 to 1918, 23 bases deleted (GGCCATGTGCAAGGAGCTGCCCG).
Protein change: p.Ala633fs; shifts the reading frame from alanine 633.
Molecular consequence: frameshift variant.
Genome position (GRCh38, 1-based): chr10:49,662,701-49,662,723, GGCCATGTGCAAGGAGCTGCCCG deleted; deleting any 23 consecutive bases within chr10:49,662,696-49,662,723 gives the same sequence; the c. name uses the placement nearest the transcript's 3' end. VCF-style (leftmost placement, unchanged base first): chr10-49662695-GGCCCGGGCCATGTGCAAGGAGCT-G. GRCh37 (hg19) VCF-style: chr10-50870741-GGCCCGGGCCATGTGCAAGGAGCT-G.
Other names: c.1542_1564del, p.Ala515fs (NM_001142929.2, NM_001142934.2, NM_020984.4 and 2 more transcripts); c.1650_1672del, p.Ala551fs (NM_001142933.2); short protein forms A551fs, A515fs, A633fs.
Identifiers: ClinVar variation 1487028 (VCV001487028.8), dbSNP rs2132852540, ClinGen allele CA2573145180.

ClinVar aggregate classification (germline): Pathogenic (1 of 4 stars; one submission).

Conditions:
Familial infantile myasthenia (CMS6). Also called: MYASTHENIC SYNDROME, PRESYNAPTIC, CONGENITAL, ASSOCIATED WITH EPISODIC APNEA; MYASTHENIC SYNDROME, CONGENITAL, 6, PRESYNAPTIC; Congenital myasthenic syndrome type 6. Identifiers: Orphanet 590, MedGen C0393929, MONDO:0009689, OMIM 254210.

Submission:

Labcorp Genetics (formerly Invitae), Labcorp
Classification: Pathogenic for Familial infantile myasthenia. Last evaluated: 2024-05-06. Review status: criteria provided, single submitter. Criteria: Invitae Variant Classification Sherloc (09022015). Collection method: clinical testing. Allele origin: germline.
Comment: This sequence change creates a premature translational stop signal (p.Ala633Aspfs*5) in the CHAT gene. It is expected to result in an absent or disrupted protein product. Loss-of-function variants in CHAT are known to be pathogenic (PMID: 12548525, 21786365, 23292760). This variant is not present in population databases (gnomAD no frequency). This variant has not been reported in the literature in individuals affected with CHAT-related conditions. ClinVar contains an entry for this variant (Variation ID: 1487028). For these reasons, this variant has been classified as Pathogenic.

Literature cited by the submitters: PubMed 12548525; PubMed 21786365; PubMed 23292760.